The following is an entry in ClinVar:

NM_022828.5(YTHDC2):c.-6A>G

Gene: YTHDC2 (YTH N6-methyladenosine RNA binding protein C2; plus strand). Cytogenetic location: 5q22.2.
Variant type: single nucleotide variant.
Coding change: c.-6A>G on transcript NM_022828.5 (MANE Select); 6 bases upstream of the start codon, A replaced by G.
Molecular consequence: 5 prime UTR variant.
Genome position (GRCh38, 1-based): chr5:113,513,890, A>G. VCF-style: chr5-113513890-A-G. GRCh37 (hg19) VCF-style: chr5-112849587-A-G.
Other names: c.-295A>G (NM_001345975.2); c.-509A>G (NM_001345976.2).
Identifiers: ClinVar variation 3046648 (VCV003046648.2), dbSNP rs559731606, ClinGen allele CA3371310.

ClinVar aggregate classification (germline): Likely benign (0 of 4 stars; one submission).

Conditions:
YTHDC2-related disorder. Also called: YTHDC2-related condition.

Allele frequency attached by ClinVar (database versions not stated): TOPMed 0.00002; gnomAD exomes 0.00004; gnomAD 0.00005; 1000 Genomes Project 30x 0.00016; ExAC 0.00016; 1000 Genomes Project 0.00020.
gnomAD v4.1: 59 of 1,600,318 alleles (0.0037%); highest among the groups gnomAD compares: South Asian, 0.061%; no homozygotes.

Submission:

PreventionGenetics, part of Exact Sciences
Classification: Likely benign for YTHDC2-related condition. Last evaluated: 2019-04-05. Review status: no assertion criteria provided. Collection method: clinical testing. Allele origin: germline.
Comment: This variant is classified as likely benign based on ACMG/AMP sequence variant interpretation guidelines (Richards et al. 2015 PMID: 25741868, with internal and published modifications).